The following is an entry in ClinVar:

ClinVar aggregate classification (germline): Benign. Review status: criteria provided, single submitter (1 of 4 stars). 2 submissions from 2 submitters: Benign (1). 1 of the submissions does not count toward it. Last evaluated 2024-10-24.

Conditions:
Coffin-Lowry syndrome (CLS). Also called: COFFIN-LOWRY SYNDROME, MILD; Mental retardation with osteocartilaginous abnormalities. Identifiers: Orphanet 192, MedGen C0265252, MONDO:0010561, OMIM 303600.
Intellectual developmental disorder, X-linked 19. Also called: Intellectual disability, X-linked 19. Identifiers: Orphanet 777, MedGen C0796225, MONDO:0010447, OMIM 300844.
RPS6KA3-related disorder. Also called: RPS6KA3-related condition.

Allele frequency attached by ClinVar (database versions not stated): ExAC 0.00001; gnomAD exomes 0.00001; gnomAD 0.00003; TOPMed 0.00003.
gnomAD v4.1: 18 of 1,208,070 alleles (0.0015%); highest among the groups gnomAD compares: Admixed American, 0.013%; 1 homozygote.

Submissions (2):

Labcorp Genetics (formerly Invitae), Labcorp
Classification: Benign for Coffin-Lowry syndrome; Intellectual developmental disorder, X-linked 19. Last evaluated: 2024-10-24. Review status: criteria provided, single submitter. Criteria: Invitae Variant Classification Sherloc (09022015). Collection method: clinical testing. Allele origin: germline.

PreventionGenetics, part of Exact Sciences
Classification: Likely benign for RPS6KA3-related condition. Last evaluated: 2022-02-11. Review status: no assertion criteria provided. Collection method: clinical testing. Allele origin: germline. Not counted in ClinVar's aggregate classification.
Comment: This variant is classified as likely benign based on ACMG/AMP sequence variant interpretation guidelines (Richards et al. 2015 PMID: 25741868, with internal and published modifications).

NM_004586.3(RPS6KA3):c.1593C>T (p.His531=)

Gene: RPS6KA3 (ribosomal protein S6 kinase A3; minus strand). Cytogenetic location: Xp22.12.
Variant type: single nucleotide variant.
Coding change: c.1593C>T on transcript NM_004586.3 (MANE Select); coding-DNA position 1593, C replaced by T.
Protein change: p.His531=; no amino-acid change (histidine 531 retained).
Molecular consequence: synonymous variant.
Genome position (GRCh38, 1-based): chrX:20,167,598, G>A on the plus strand (C>T on the coding strand, the complement: RPS6KA3 is on the minus strand). VCF-style: chrX-20167598-G-A. GRCh37 (hg19) VCF-style: chrX-20185716-G-A.
Other names: c.1593C>T (NM_004586.2).
Identifiers: ClinVar variation 2160353 (VCV002160353.6), dbSNP rs757920979, ClinGen allele CA10366099.